The following is an entry in ClinVar:

ClinVar aggregate classification (germline): Uncertain significance (1 of 4 stars; one submission).

Submission:

GeneDx
Classification: Uncertain significance. Last evaluated: 2025-06-25. Review status: criteria provided, single submitter. Criteria: GeneDx Variant Classification Process June 2021. Collection method: clinical testing. Allele origin: germline. Affected: yes.
Comment: Not observed at significant frequency in large population cohorts (gnomAD); Has not been previously published as pathogenic or benign to our knowledge; Alters the Kozak sequence, which plays a major role in the initiation of translation

NM_032620.4(GTPBP3):c.-1C>A

Gene: GTPBP3 (GTP binding protein 3, mitochondrial; plus strand). Cytogenetic location: 19p13.11.
Variant type: single nucleotide variant.
Coding change: c.-1C>A on transcript NM_032620.4 (MANE Select); 1 bases upstream of the start codon, C replaced by A.
Molecular consequence: 5 prime UTR variant. On other transcripts: intron variant (1).
Genome position (GRCh38, 1-based): chr19:17,337,611, C>A. VCF-style: chr19-17337611-C-A. GRCh37 (hg19) VCF-style: chr19-17448420-C-A.
Other names: c.-1C>A (NM_001128855.3, NM_133644.4); c.120-397C>A (NM_001195422.1).
Identifiers: ClinVar variation 4540235 (VCV004540235.1).